The following is an entry in ClinVar:

NM_001042681.2(RERE):c.4477C>A (p.Pro1493Thr)

Gene: RERE (arginine-glutamic acid dipeptide repeats; minus strand). Cytogenetic location: 1p36.23.
Variant type: single nucleotide variant.
Coding change: c.4477C>A on transcript NM_001042681.2 (MANE Select); coding-DNA position 4477, C replaced by A.
Protein change: p.Pro1493Thr; replaces proline 1493 with threonine.
Molecular consequence: missense variant.
Genome position (GRCh38, 1-based): chr1:8,356,109, G>T on the plus strand (C>A on the coding strand, the complement: RERE is on the minus strand). VCF-style: chr1-8356109-G-T. GRCh37 (hg19) VCF-style: chr1-8416169-G-T.
Other names: c.2815C>A, p.Pro939Thr (NM_001042682.2); c.4477C>A, p.Pro1493Thr (NM_012102.4); short protein forms P1493T, P939T.
Identifiers: ClinVar variation 4539928 (VCV004539928.1).

ClinVar aggregate classification (germline): Uncertain significance (1 of 4 stars; one submission).

Submission:

GeneDx
Classification: Uncertain significance. Last evaluated: 2025-06-27. Review status: criteria provided, single submitter. Criteria: GeneDx Variant Classification Process June 2021. Collection method: clinical testing. Allele origin: germline. Affected: yes.
Comment: Not observed at significant frequency in large population cohorts (gnomAD); In silico analysis supports that this missense variant has a deleterious effect on protein structure/function; Has not been previously published as pathogenic or benign to our knowledge